The following is an entry in ClinVar:

ClinVar aggregate classification (germline): Uncertain significance. Review status: criteria provided, multiple submitters, no conflicts (2 of 4 stars). 3 submissions from 3 submitters: Uncertain significance (2). 1 of the submissions does not count toward it. Last evaluated 2026-02-13.

Conditions:
OTOG-related disorder. Also called: OTOG-related condition.
Autosomal recessive nonsyndromic hearing loss 18B. Also called: Deafness, autosomal recessive 18b. Identifiers: Orphanet 90636, MedGen C3554163, MONDO:0013985, OMIM 614945.

gnomAD v4.1: 66 of 1,550,526 alleles (0.0043%); highest among the groups gnomAD compares: Admixed American, 0.0059%; no homozygotes.

Submissions (3):

PreventionGenetics, part of Exact Sciences
Classification: Uncertain significance for OTOG-related condition. Last evaluated: 2026-02-13. Review status: criteria provided, single submitter. Criteria: ACMG Guidelines, 2015. Collection method: clinical testing. Allele origin: germline.
Comment: The OTOG c.4877C>T variant is predicted to result in the amino acid substitution p.Pro1626Leu. To our knowledge, this variant has not been reported in the literature. This variant is reported in 0.0081% of alleles in individuals of Latino descent in gnomAD. At this time, the clinical significance of this variant is uncertain due to the absence of conclusive functional and genetic evidence.

GeneDx
Classification: Uncertain significance. Last evaluated: 2025-02-21. Review status: criteria provided, single submitter. Criteria: GeneDx Variant Classification Process June 2021. Collection method: clinical testing. Allele origin: germline. Affected: yes.
Comment: Not observed at significant frequency in large population cohorts (gnomAD); In silico analysis indicates that this missense variant does not alter protein structure/function; Has not been previously published as pathogenic or benign to our knowledge

Division of Human Genetics, Children's Hospital of Philadelphia
Classification: Uncertain significance for Autosomal recessive nonsyndromic hearing loss 18B. Last evaluated: 2016-04-27. Review status: no assertion criteria provided. Collection method: research. Allele origin: paternal. Affected: yes. Study: CSER-PediSeq. Not counted in ClinVar's aggregate classification.

NM_001292063.2(OTOG):c.4841C>T (p.Pro1614Leu)

Gene: OTOG (otogelin; plus strand). Cytogenetic location: 11p15.1.
Variant type: single nucleotide variant.
Coding change: c.4841C>T on transcript NM_001292063.2 (MANE Select); coding-DNA position 4841, C replaced by T.
Protein change: p.Pro1614Leu; replaces proline 1614 with leucine.
Molecular consequence: missense variant.
Genome position (GRCh38, 1-based): chr11:17,610,141, C>T. VCF-style: chr11-17610141-C-T. GRCh37 (hg19) VCF-style: chr11-17631688-C-T.
Other names: c.4877C>T, p.Pro1626Leu (NM_001277269.2); short protein forms P1626L, P1614L.
Identifiers: ClinVar variation 417883 (VCV000417883.5), dbSNP rs897939885, ClinGen allele CA16616917.
Genomic context (GRCh38, chr11:17,610,141, plus strand): 5'-TCTTTGCAGGAAGCCCTAACATCACAGTCTCCTCCCGGTCGCCCCCTGCCCCTCGCTTCC[C>T]GCTCATGACCAAGGCTGTGACAGTCCGAGGCCATGGCTCCTTGCCTGTTAGGACGACACC-3'
Protein context (NP_001278992.1, residues 1604-1624): SSRSPPAPRF[Pro1614Leu]LMTKAVTVRG